The following is an entry in ClinVar:

NM_001211.6(BUB1B):c.1921G>C (p.Glu641Gln)

Gene: BUB1B (BUB1 mitotic checkpoint serine/threonine kinase B; plus strand). Cytogenetic location: 15q15.1.
Variant type: single nucleotide variant.
Coding change: c.1921G>C on transcript NM_001211.6 (MANE Select); coding-DNA position 1921, G replaced by C.
Protein change: p.Glu641Gln; replaces glutamic acid 641 with glutamine.
Molecular consequence: missense variant.
Genome position (GRCh38, 1-based): chr15:40,206,370, G>C. VCF-style: chr15-40206370-G-C. GRCh37 (hg19) VCF-style: chr15-40498571-G-C.
Other names: short protein forms E641Q.
Identifiers: ClinVar variation 1782693 (VCV001782693.2), dbSNP rs2542564998, ClinGen allele CA391692682.

ClinVar aggregate classification (germline): Uncertain significance (1 of 4 stars; one submission).

Conditions:
Inborn genetic diseases. Identifiers: MedGen C0950123, MeSH D030342.

Submission:

Ambry Genetics
Classification: Uncertain significance for Inborn genetic diseases. Last evaluated: 2022-04-03. Review status: criteria provided, single submitter. Criteria: Ambry Variant Classification Scheme 2023. Collection method: clinical testing. Allele origin: germline.
Comment: The p.E641Q variant (also known as c.1921G>C), located in coding exon 15 of the BUB1B gene, results from a G to C substitution at nucleotide position 1921. The glutamic acid at codon 641 is replaced by glutamine, an amino acid with highly similar properties. This amino acid position is conserved. In addition, this alteration is predicted to be tolerated by in silico analysis. Since supporting evidence is limited at this time, the clinical significance of this alteration remains unclear.